The following is an entry in ClinVar:

NM_001563.4(IMPG1):c.1679C>T (p.Thr560Ile)

Gene: IMPG1 (interphotoreceptor matrix proteoglycan 1; minus strand). Cytogenetic location: 6q14.1.
Variant type: single nucleotide variant.
Coding change: c.1679C>T on transcript NM_001563.4 (MANE Select); coding-DNA position 1679, C replaced by T.
Protein change: p.Thr560Ile; replaces threonine 560 with isoleucine.
Molecular consequence: missense variant.
Genome position (GRCh38, 1-based): chr6:75,950,707, G>A on the plus strand (C>T on the coding strand, the complement: IMPG1 is on the minus strand). VCF-style: chr6-75950707-G-A. GRCh37 (hg19) VCF-style: chr6-76660424-G-A.
Other names: c.1445C>T, p.Thr482Ile (NM_001282368.2); short protein forms T482I, T560I.
Identifiers: ClinVar variation 3673179 (VCV003673179.2).

ClinVar aggregate classification (germline): Uncertain significance (1 of 4 stars; one submission).

Submission:

Labcorp Genetics (formerly Invitae), Labcorp
Classification: Uncertain significance. Last evaluated: 2024-12-05. Review status: criteria provided, single submitter. Criteria: Invitae Variant Classification Sherloc (09022015). Collection method: clinical testing. Allele origin: germline.
Comment: This sequence change replaces threonine, which is neutral and polar, with isoleucine, which is neutral and non-polar, at codon 560 of the IMPG1 protein (p.Thr560Ile). This variant is not present in population databases (gnomAD no frequency). This variant has not been reported in the literature in individuals affected with IMPG1-related conditions. An algorithm developed to predict the effect of missense changes on protein structure and function (PolyPhen-2) suggests that this variant is likely to be disruptive. In summary, the available evidence is currently insufficient to determine the role of this variant in disease. Therefore, it has been classified as a Variant of Uncertain Significance.